The following is an entry in ClinVar:

ClinVar aggregate classification (germline): Uncertain significance (1 of 4 stars; one submission).

Conditions:
Succinyl-CoA acetoacetate transferase deficiency (SCOTD). Also called: KETOACIDOSIS DUE TO SCOT DEFICIENCY; 3-Oxoacid CoA Transferase Deficiency; Succinyl CoA:3-oxoacid CoA transferase deficiency; SCOT DEFICIENCY; SUCCINYL-CoA:3-KETOACID CoA-TRANSFERASE DEFICIENCY. Identifiers: Orphanet 832, MedGen C0342792, MONDO:0009492, OMIM 245050.

Allele frequency attached by ClinVar (database versions not stated): TOPMed below 0.00001.

Submission:

Labcorp Genetics (formerly Invitae), Labcorp
Classification: Uncertain significance for Succinyl-CoA acetoacetate transferase deficiency. Last evaluated: 2023-05-08. Review status: criteria provided, single submitter. Criteria: Invitae Variant Classification Sherloc (09022015). Collection method: clinical testing. Allele origin: germline.
Comment: This variant has not been reported in the literature in individuals affected with OXCT1-related conditions. In summary, the available evidence is currently insufficient to determine the role of this variant in disease. Therefore, it has been classified as a Variant of Uncertain Significance. An algorithm developed to predict the effect of missense changes on protein structure and function (PolyPhen-2) suggests that this variant is likely to be tolerated. ClinVar contains an entry for this variant (Variation ID: 1939138). This variant is not present in population databases (gnomAD no frequency). This sequence change replaces lysine, which is basic and polar, with arginine, which is basic and polar, at codon 225 of the OXCT1 protein (p.Lys225Arg).

NM_000436.4(OXCT1):c.674A>G (p.Lys225Arg)

Gene: OXCT1 (3-oxoacid CoA-transferase 1; minus strand). Cytogenetic location: 5p13.1.
Variant type: single nucleotide variant.
Coding change: c.674A>G on transcript NM_000436.4 (MANE Select); coding-DNA position 674, A replaced by G.
Protein change: p.Lys225Arg; replaces lysine 225 with arginine.
Molecular consequence: missense variant. On other transcripts: non-coding transcript variant (1).
Genome position (GRCh38, 1-based): chr5:41,840,509, T>C on the plus strand (A>G on the coding strand, the complement: OXCT1 is on the minus strand). VCF-style: chr5-41840509-T-C. GRCh37 (hg19) VCF-style: chr5-41840611-T-C.
Other names: c.695A>G, p.Lys232Arg (NM_001364299.2, NM_001364300.2); c.674A>G, p.Lys225Arg (NM_001364301.2, NM_001364302.2); c.116A>G, p.Lys39Arg (NM_001364303.2); short protein forms K232R, K39R, K225R.
Identifiers: ClinVar variation 1939138 (VCV001939138.5), dbSNP rs1748575827, ClinGen allele CA359627189.